The following is an entry in ClinVar:

NM_052854.4(CREB3L1):c.272G>C (p.Ser91Thr)

Gene: CREB3L1 (cAMP responsive element binding protein 3 like 1; plus strand). Cytogenetic location: 11p11.2.
Variant type: single nucleotide variant.
Coding change: c.272G>C on transcript NM_052854.4 (MANE Select); coding-DNA position 272, G replaced by C.
Protein change: p.Ser91Thr; replaces serine 91 with threonine.
Molecular consequence: missense variant.
Genome position (GRCh38, 1-based): chr11:46,300,104, G>C. VCF-style: chr11-46300104-G-C. GRCh37 (hg19) VCF-style: chr11-46321655-G-C.
Other names: short protein forms S91T.
Identifiers: ClinVar variation 1925168 (VCV001925168.2), dbSNP rs752384400, ClinGen allele CA5961527.

ClinVar aggregate classification (germline): Uncertain significance (1 of 4 stars; one submission).

Allele frequency attached by ClinVar (database versions not stated): ExAC 0.00001.

Submission:

Labcorp Genetics (formerly Invitae), Labcorp
Classification: Uncertain significance. Last evaluated: 2022-06-22. Review status: criteria provided, single submitter. Criteria: Invitae Variant Classification Sherloc (09022015). Collection method: clinical testing. Allele origin: germline.
Comment: This sequence change replaces serine, which is neutral and polar, with threonine, which is neutral and polar, at codon 91 of the CREB3L1 protein (p.Ser91Thr). This variant is present in population databases (rs752384400, gnomAD 0.006%). This variant has not been reported in the literature in individuals affected with CREB3L1-related conditions. Algorithms developed to predict the effect of missense changes on protein structure and function are either unavailable or do not agree on the potential impact of this missense change (SIFT: "Deleterious"; PolyPhen-2: "Probably Damaging"; Align-GVGD: "Class C0"). In summary, the available evidence is currently insufficient to determine the role of this variant in disease. Therefore, it has been classified as a Variant of Uncertain Significance.